The following is an entry in ClinVar:

NM_003743.5(NCOA1):c.2039A>G (p.His680Arg)

Gene: NCOA1 (nuclear receptor coactivator 1; plus strand). Cytogenetic location: 2p23.3.
Variant type: single nucleotide variant.
Coding change: c.2039A>G on transcript NM_003743.5 (MANE Select); coding-DNA position 2039, A replaced by G.
Protein change: p.His680Arg; replaces histidine 680 with arginine.
Molecular consequence: missense variant.
Genome position (GRCh38, 1-based): chr2:24,707,509, A>G. VCF-style: chr2-24707509-A-G. GRCh37 (hg19) VCF-style: chr2-24930378-A-G.
Other names: c.2039A>G, p.His680Arg (NM_001362950.1, NM_001362952.1, NM_001362954.1 and 3 more transcripts); short protein forms H680R.
Identifiers: ClinVar variation 3357951 (VCV003357951.1).

ClinVar aggregate classification (germline): Uncertain significance (0 of 4 stars; one submission).

Conditions:
NCOA1-related disorder. Also called: NCOA1-related condition.

gnomAD v4.1: 8 of 1,613,994 alleles (0.0005%); highest among the groups gnomAD compares: Non-Finnish European, 0.00068%; no homozygotes.

Submission:

PreventionGenetics, part of Exact Sciences
Classification: Uncertain significance for NCOA1-related condition. Last evaluated: 2023-10-28. Review status: no assertion criteria provided. Collection method: clinical testing. Allele origin: germline.
Comment: The NCOA1 c.2039A>G variant is predicted to result in the amino acid substitution p.His680Arg. To our knowledge, this variant has not been reported in the literature. This variant is reported in 0.00078% of alleles in individuals of European (Non-Finnish) descent in gnomAD. At this time, the clinical significance of this variant is uncertain due to the absence of conclusive functional and genetic evidence.